The following is an entry in ClinVar:

NM_000760.4(CSF3R):c.991G>A (p.Glu331Lys)

Gene: CSF3R (colony stimulating factor 3 receptor; minus strand). Cytogenetic location: 1p34.3.
Variant type: single nucleotide variant.
Coding change: c.991G>A on transcript NM_000760.4 (MANE Select); coding-DNA position 991, G replaced by A.
Protein change: p.Glu331Lys; replaces glutamic acid 331 with lysine.
Molecular consequence: missense variant.
Genome position (GRCh38, 1-based): chr1:36,472,244, C>T on the plus strand (G>A on the coding strand, the complement: CSF3R is on the minus strand). VCF-style: chr1-36472244-C-T. GRCh37 (hg19) VCF-style: chr1-36937845-C-T.
Other names: c.991G>A, p.Glu331Lys (NM_156039.3, NM_172313.3); short protein forms E331K.
Identifiers: ClinVar variation 1499152 (VCV001499152.8), dbSNP rs748394788, ClinGen allele CA769327.

ClinVar aggregate classification (germline): Uncertain significance (1 of 4 stars; one submission).

Conditions:
Autosomal recessive severe congenital neutropenia due to CSF3R deficiency. Also called: Neutropenia, severe congenital, 7, autosomal recessive. Identifiers: Orphanet 420702, MedGen C4310764, MONDO:0014865, OMIM 617014.

Allele frequency attached by ClinVar (database versions not stated): ExAC 0.00002; gnomAD 0.00003; TOPMed 0.00003.
gnomAD v4.1: 57 of 1,613,978 alleles (0.0035%); highest among the groups gnomAD compares: Middle Eastern, 0.033%; no homozygotes.

Submission:

Labcorp Genetics (formerly Invitae), Labcorp
Classification: Uncertain significance for Autosomal recessive severe congenital neutropenia due to CSF3R deficiency. Last evaluated: 2025-10-15. Review status: criteria provided, single submitter. Criteria: Invitae Variant Classification Sherloc (09022015). Collection method: clinical testing. Allele origin: germline.
Comment: This sequence change replaces glutamic acid, which is acidic and polar, with lysine, which is basic and polar, at codon 331 of the CSF3R protein (p.Glu331Lys). This variant is present in population databases (rs748394788, gnomAD 0.04%). This variant has not been reported in the literature in individuals affected with CSF3R-related conditions. ClinVar contains an entry for this variant (Variation ID: 1499152). Invitae Evidence Modeling of protein sequence and biophysical properties (such as structural, functional, and spatial information, amino acid conservation, physicochemical variation, residue mobility, and thermodynamic stability) indicates that this missense variant is not expected to disrupt CSF3R protein function with a negative predictive value of 80%. In summary, the available evidence is currently insufficient to determine the role of this variant in disease. Therefore, it has been classified as a Variant of Uncertain Significance.